The following is an entry in ClinVar:

NM_032444.4(SLX4):c.2576C>G (p.Ala859Gly)

Gene: SLX4 (SLX4 structure-specific endonuclease subunit; minus strand). Cytogenetic location: 16p13.3.
Variant type: single nucleotide variant.
Coding change: c.2576C>G on transcript NM_032444.4 (MANE Select); coding-DNA position 2576, C replaced by G.
Protein change: p.Ala859Gly; replaces alanine 859 with glycine.
Molecular consequence: missense variant.
Genome position (GRCh38, 1-based): chr16:3,591,062, G>C on the plus strand (C>G on the coding strand, the complement: SLX4 is on the minus strand). VCF-style: chr16-3591062-G-C. GRCh37 (hg19) VCF-style: chr16-3641063-G-C.
Other names: short protein forms A859G.
Identifiers: ClinVar variation 2885714 (VCV002885714.3), dbSNP rs1484336125, ClinGen allele CA394523394.

ClinVar aggregate classification (germline): Uncertain significance (1 of 4 stars; one submission).

Conditions:
Fanconi anemia (FA). Also called: Fanconi's anemia. Identifiers: Orphanet 84, MedGen C0015625, MeSH D005199, MONDO:0019391.

Submission:

Labcorp Genetics (formerly Invitae), Labcorp
Classification: Uncertain significance for Fanconi anemia. Last evaluated: 2023-10-10. Review status: criteria provided, single submitter. Criteria: Invitae Variant Classification Sherloc (09022015). Collection method: clinical testing. Allele origin: germline.
Comment: This sequence change replaces alanine, which is neutral and non-polar, with glycine, which is neutral and non-polar, at codon 859 of the SLX4 protein (p.Ala859Gly). This variant is present in population databases (no rsID available, gnomAD 0.0009%). This variant has not been reported in the literature in individuals affected with SLX4-related conditions. An algorithm developed to predict the effect of missense changes on protein structure and function (PolyPhen-2) suggests that this variant is likely to be disruptive. In summary, the available evidence is currently insufficient to determine the role of this variant in disease. Therefore, it has been classified as a Variant of Uncertain Significance.